The following is an entry in ClinVar:

NM_014297.5(ETHE1):c.61G>T (p.Ala21Ser)

Gene: ETHE1 (ETHE1 persulfide dioxygenase; minus strand). Cytogenetic location: 19q13.31.
Variant type: single nucleotide variant.
Coding change: c.61G>T on transcript NM_014297.5 (MANE Select); coding-DNA position 61, G replaced by T.
Protein change: p.Ala21Ser; replaces alanine 21 with serine.
Molecular consequence: missense variant. On other transcripts: 5 prime UTR variant (1).
Genome position (GRCh38, 1-based): chr19:43,527,117, C>A on the plus strand (G>T on the coding strand, the complement: ETHE1 is on the minus strand). VCF-style: chr19-43527117-C-A. GRCh37 (hg19) VCF-style: chr19-44031269-C-A.
Other names: p.A21S:GCC>TCC; c.61G>T, p.Ala21Ser (NM_001320867.2, NM_001320869.2); c.-160G>T (NM_001320868.2); short protein forms A21S.
Identifiers: ClinVar variation 137240 (VCV000137240.32), dbSNP rs116440799, ClinGen allele CA290780.

ClinVar aggregate classification (germline): Benign. Review status: reviewed by expert panel (3 of 4 stars). 9 submissions from 9 submitters: Benign (1). 8 of the submissions do not count toward it. Last evaluated 2021-05-06.

Conditions:
Ethylmalonic encephalopathy (EE). Also called: EPEMA syndrome; Encephalopathy, petechiae, and ethylmalonic aciduria; Syndrome of encephalopathy, petechiae, and ethylmalonic aciduria. Identifiers: Orphanet 51188, MedGen C1865349, MONDO:0011229, OMIM 602473. Disease mechanism: loss of function.

Allele frequency attached by ClinVar (database versions not stated): gnomAD exomes 0.00217 and 0.00478; ExAC 0.01132; ESP Exome Variant Server 0.01217; gnomAD 0.01865 and 0.01995; TOPMed 0.02161; 1000 Genomes Project 0.02336; 1000 Genomes Project 30x 0.02592.
gnomAD v4.1: 6,088 of 1,556,920 alleles (0.39%); highest among the groups gnomAD compares: African/African-American, 6.3%; 149 homozygotes.

Submissions (9):

ClinGen Mitochondrial Disease Nuclear and Mitochondrial  Variant Curation Expert Panel, ClinGen
Classification: Benign for Ethylmalonic encephalopathy. Last evaluated: 2021-05-06. Review status: reviewed by expert panel. Criteria: ClinGen Mito Disease ACMG Specifications v1. Collection method: curation. Allele origin: germline. Inheritance: Autosomal recessive inheritance.
Comment: The allele frequency of the c.61G>T variant in the ETHE1 gene is 0.7% in gnomAD, including 33 homozygotes which is a high enough frequency to be classified as benign based on thresholds defined by the ClinGen ETHE1 Variant Curation Expert Panel (>0.1% in gnomAD- BA1 and BS2). In summary, this variant meets criteria to be classified as benign for ETHE1-related ethylmalonic encephalopathy. ETHE1 specific ACMG/AMP criteria applied: (BA1, BS2).

Labcorp Genetics (formerly Invitae), Labcorp
Classification: Benign for Ethylmalonic encephalopathy. Last evaluated: 2026-02-04. Review status: criteria provided, single submitter. Criteria: Invitae Variant Classification Sherloc (09022015). Collection method: clinical testing. Allele origin: germline. Not counted in ClinVar's aggregate classification.

ARUP Laboratories, Molecular Genetics and Genomics, ARUP Laboratories
Classification: Benign for Ethylmalonic encephalopathy. Last evaluated: 2023-11-29. Review status: criteria provided, single submitter. Criteria: ARUP Molecular Germline Variant Investigation Process 2024. Collection method: clinical testing. Allele origin: germline. Not counted in ClinVar's aggregate classification.

Illumina Laboratory Services, Illumina
Classification: Benign for Ethylmalonic encephalopathy. Last evaluated: 2018-01-13. Review status: criteria provided, single submitter. Criteria: ICSL Variant Classification Criteria 13 December 2019. Collection method: clinical testing. Allele origin: germline. Not counted in ClinVar's aggregate classification.
Comment: This variant was observed in the ICSL laboratory as part of a predisposition screen in an ostensibly healthy population. It had not been previously curated by ICSL or reported in the Human Gene Mutation Database (HGMD: prior to June 1st, 2018), and was therefore a candidate for classification through an automated scoring system. Utilizing variant allele frequency, disease prevalence and penetrance estimates, and inheritance mode, an automated score was calculated to assess if this variant is too frequent to cause the disease. Based on the score and internal cut-off values, a variant classified as benign is not then subjected to further curation. The score for this variant resulted in a classification of benign for this disease.

Center for Pediatric Genomic Medicine, Children's Mercy Hospital and Clinics
Classification: Likely benign. Last evaluated: 2015-05-21. Review status: criteria provided, single submitter. Criteria: ACMG Guidelines, 2015. Collection method: clinical testing. Allele origin: germline. Not counted in ClinVar's aggregate classification.
ClinVar note: Converted during submission from Likely Benign to Likely benign.

GeneDx
Classification: Benign. Last evaluated: 2014-03-17. Review status: criteria provided, single submitter. Criteria: GeneDx Variant Classification (06012015). Collection method: clinical testing. Allele origin: germline. Affected: yes. Not counted in ClinVar's aggregate classification.
Comment: This variant is considered likely benign or benign based on one or more of the following criteria: it is a conservative change, it occurs at a poorly conserved position in the protein, it is predicted to be benign by multiple in silico algorithms, and/or has population frequency not consistent with disease.

Breakthrough Genomics
Classification: Benign. Review status: criteria provided, single submitter. Criteria: ACMG Guidelines, 2015. Collection method: not provided. Allele origin: germline. Inheritance: Autosomal recessive inheritance. Affected: yes. Not counted in ClinVar's aggregate classification.

Natera, Inc.
Classification: Benign for Ethylmalonic encephalopathy. Last evaluated: 2019-11-28. Review status: no assertion criteria provided. Collection method: clinical testing. Allele origin: germline. Not counted in ClinVar's aggregate classification.

Mayo Clinic Laboratories, Mayo Clinic
Classification: Benign. Last evaluated: 2016-03-16. Review status: no assertion criteria provided. Collection method: clinical testing. Allele origin: unknown. Not counted in ClinVar's aggregate classification.